The following is an entry in ClinVar:

NM_002769.5(PRSS1):c.674A>G (p.Lys225Arg)

Genes: TRB (T cell receptor beta locus; plus strand), PRSS1 (serine protease 1; plus strand). Cytogenetic location: 7q34.
Variant type: single nucleotide variant.
Coding change: c.674A>G on transcript NM_002769.5 (MANE Select); coding-DNA position 674, A replaced by G.
Protein change: p.Lys225Arg; replaces lysine 225 with arginine.
Molecular consequence: missense variant.
Genome position (GRCh38, 1-based): chr7:142,752,950, A>G. VCF-style: chr7-142752950-A-G. GRCh37 (hg19) VCF-style: chr7-142460801-A-G.
Other names: short protein forms K225R.
Identifiers: ClinVar variation 498401 (VCV000498401.22), dbSNP rs541223359, ClinGen allele CA4530139.
Genomic context (GRCh38, chr7:142,752,950, plus strand): 5'-TCTGCAATGGACAGCTCCAAGGAGTTGTCTCCTGGGGTGATGGCTGTGCCCAGAAGAACA[A>G]GCCTGGAGTCTACACCAAGGTCTACAACTATGTGAAATGGATTAAGAACACCATAGCTGC-3'
Protein context (NP_002760.1, residues 215-235): SWGDGCAQKN[Lys225Arg]PGVYTKVYNY

ClinVar aggregate classification (germline): Conflicting classifications of pathogenicity. Review status: criteria provided, conflicting classifications (1 of 4 stars). 7 submissions from 7 submitters: Uncertain significance (2); Likely benign (3). 2 of the submissions do not count toward it. Last evaluated 2026-01-26.

Conditions:
Hereditary pancreatitis (PCTT). Also called: PRSS1-Related Hereditary Pancreatitis; Hereditary chronic pancreatitis. Identifiers: Orphanet 676, MedGen C0238339, MONDO:0008185, OMIM 167800.

Allele frequency attached by ClinVar (database versions not stated): ExAC 0.00004; gnomAD exomes 0.00006 and 0.00012; 1000 Genomes Project 0.00020; 1000 Genomes Project 30x 0.26624.

Submissions (7):

Labcorp Genetics (formerly Invitae), Labcorp
Classification: Uncertain significance for Hereditary pancreatitis. Last evaluated: 2026-01-26. Review status: criteria provided, single submitter. Criteria: Invitae Variant Classification Sherloc (09022015). Collection method: clinical testing. Allele origin: germline.
Comment: This sequence change replaces lysine, which is basic and polar, with arginine, which is basic and polar, at codon 225 of the PRSS1 protein (p.Lys225Arg). The frequency data for this variant in the population databases is considered unreliable, as metrics indicate poor data quality at this position in the gnomAD database. This variant has not been reported in the literature in individuals affected with PRSS1-related conditions. ClinVar contains an entry for this variant (Variation ID: 498401). Invitae Evidence Modeling of protein sequence and biophysical properties (such as structural, functional, and spatial information, amino acid conservation, physicochemical variation, residue mobility, and thermodynamic stability) indicates that this missense variant is not expected to disrupt PRSS1 protein function with a negative predictive value of 80%. In summary, the available evidence is currently insufficient to determine the role of this variant in disease. Therefore, it has been classified as a Variant of Uncertain Significance.

Sema4
Classification: Likely benign for Hereditary pancreatitis. Last evaluated: 2021-05-20. Review status: criteria provided, single submitter. Criteria: Sema4 Curation Guidelines. Collection method: curation. Allele origin: germline.

Women's Health and Genetics/Laboratory Corporation of America, LabCorp
Classification: Likely benign. Last evaluated: 2019-11-26. Review status: criteria provided, single submitter. Criteria: LabCorp Variant Classification Summary - May 2015. Collection method: clinical testing. Allele origin: germline.
Comment: Variant summary: PRSS1 c.674A>G (p.Lys225Arg) results in a conservative amino acid change in a region without high sequence homology to the pseudogenes. Four of five in-silico tools predict a benign effect of the variant on protein function. The variant allele was found at a frequency of 5.6e-05 in 251416 control chromosomes. The observed variant frequency is approximately 11 fold of the estimated maximal expected allele frequency for a pathogenic variant in PRSS1 causing Chronic Pancreatitis Risk phenotype (5e-06), strongly suggesting that the variant is benign. To our knowledge, no occurrence of c.674A>G in individuals affected with Chronic Pancreatitis Risk and no experimental evidence demonstrating its impact on protein function have been reported. Two clinical diagnostic laboratories have submitted clinical-significance assessments for this variant to ClinVar after 2014 without evidence for independent evaluation. Both laboratories classified the variant as uncertain significance. However, one database (Global Variome shared LOVD) lists this variant as benign/likely benign. Based on the evidence outlined above, the variant was classified as likely benign.

Ambry Genetics
Classification: Likely benign for Hereditary pancreatitis. Last evaluated: 2019-03-18. Review status: criteria provided, single submitter. Criteria: Ambry Variant Classification Scheme 2023. Collection method: clinical testing. Allele origin: germline.

Eurofins Ntd Llc (ga)
Classification: Uncertain significance. Last evaluated: 2016-11-04. Review status: criteria provided, single submitter. Criteria: EGL Classification Definitions 2015. Collection method: clinical testing. Allele origin: germline. Observed: 1 variant allele, 1 heterozygote.

Clinical Genetics DNA and cytogenetics Diagnostics Lab, Erasmus MC, Erasmus Medical Center
Classification: Likely benign. Review status: no assertion criteria provided. Collection method: clinical testing. Allele origin: germline. Affected: yes. Study: VKGL Data-share Consensus. Not counted in ClinVar's aggregate classification.

Laboratory of Diagnostic Genome Analysis, Leiden University Medical Center (LUMC)
Classification: Likely benign. Review status: no assertion criteria provided. Collection method: clinical testing. Allele origin: germline. Affected: yes. Study: VKGL Data-share Consensus. Not counted in ClinVar's aggregate classification.